The following is an entry in ClinVar:

NM_014423.4(AFF4):c.2783A>G (p.Asn928Ser)

Gene: AFF4 (ALF transcription elongation factor 4; minus strand). Cytogenetic location: 5q31.1.
Variant type: single nucleotide variant.
Coding change: c.2783A>G on transcript NM_014423.4 (MANE Select); coding-DNA position 2783, A replaced by G.
Protein change: p.Asn928Ser; replaces asparagine 928 with serine.
Molecular consequence: missense variant.
Genome position (GRCh38, 1-based): chr5:132,888,110, T>C on the plus strand (A>G on the coding strand, the complement: AFF4 is on the minus strand). VCF-style: chr5-132888110-T-C. GRCh37 (hg19) VCF-style: chr5-132223802-T-C.
Other names: short protein forms N928S.
Identifiers: ClinVar variation 4977246 (VCV004977246.1).

ClinVar aggregate classification (germline): Uncertain significance (1 of 4 stars; one submission).

Conditions:
AFF4-related disorder. Also called: AFF4-related condition.

Submission:

PreventionGenetics, part of Exact Sciences
Classification: Uncertain significance for AFF4-related condition. Last evaluated: 2026-05-28. Review status: criteria provided, single submitter. Criteria: ACMG Guidelines, 2015. Collection method: clinical testing. Allele origin: germline.
Comment: The AFF4 c.2783A>G variant is predicted to result in the amino acid substitution p.Asn928Ser. To our knowledge, this variant has not been reported in the literature or in a large population database (gnomAD), indicating this variant is rare. At this time, the clinical significance of this variant is uncertain due to the absence of conclusive functional and genetic evidence.